The following is an entry in ClinVar:

NM_000371.4(TTR):c.246G>C (p.Glu82Asp)

Gene: TTR (transthyretin; plus strand). Cytogenetic location: 18q12.1.
Variant type: single nucleotide variant.
Coding change: c.246G>C on transcript NM_000371.4 (MANE Select); coding-DNA position 246, G replaced by C.
Protein change: p.Glu82Asp; replaces glutamic acid 82 with aspartic acid.
Molecular consequence: missense variant.
Genome position (GRCh38, 1-based): chr18:31,595,165, G>C. VCF-style: chr18-31595165-G-C. GRCh37 (hg19) VCF-style: chr18-29175128-G-C.
Other names: c.246G>C (NM_000371.3); short protein forms E82D.
Identifiers: ClinVar variation 1014781 (VCV001014781.8), dbSNP rs754635255, ClinGen allele CA8928444.

ClinVar aggregate classification (germline): Uncertain significance. Review status: criteria provided, multiple submitters, no conflicts (2 of 4 stars). 2 submissions from 2 submitters: Uncertain significance (2). Last evaluated 2026-07-06.

Conditions:
Cardiovascular phenotype. Identifiers: MedGen CN230736.
Amyloidosis, hereditary systemic 1 (AMYLD1). Also called: Isolated Cardiac Amyloidosis; Amyloid Cardiomyopathy, Transthyretin-related; Familial amyloid polyneuropathy; AMYLOID CARDIOMYOPATHY; Hereditary oculoleptomeningeal amyloid angiopathy; Familial Transthyretin Amyloidosis. Identifiers: Orphanet 85447, Orphanet 85451, MedGen C2751492, MONDO:0971004, OMIM 105210.

Allele frequency attached by ClinVar (database versions not stated): ExAC 0.00001; gnomAD exomes 0.00001; gnomAD 0.00001.
gnomAD v4.1: 2 of 1,614,004 alleles (0.00012%); highest among the groups gnomAD compares: East Asian, 0.0045%; no homozygotes.

Submissions (2):

Ambry Genetics
Classification: Uncertain significance for Cardiovascular phenotype. Last evaluated: 2026-07-06. Review status: criteria provided, single submitter. Criteria: Ambry Variant Classification Scheme 2023. Collection method: clinical testing. Allele origin: germline.
Comment: The p.E82D variant (also known as c.246G>C), located in coding exon 3 of the TTR gene, results from a G to C substitution at nucleotide position 246. The glutamic acid at codon 82 is replaced by aspartic acid, an amino acid with highly similar properties. This amino acid position is well conserved in available vertebrate species. In addition, the in silico prediction for this alteration is inconclusive. Based on the available evidence, the clinical significance of this variant remains unclear.

Labcorp Genetics (formerly Invitae), Labcorp
Classification: Uncertain significance for Amyloidosis, hereditary systemic 1. Last evaluated: 2025-10-29. Review status: criteria provided, single submitter. Criteria: Invitae Variant Classification Sherloc (09022015). Collection method: clinical testing. Allele origin: germline.
Comment: This sequence change replaces glutamic acid, which is acidic and polar, with aspartic acid, which is acidic and polar, at codon 82 of the TTR protein (p.Glu82Asp). This variant is present in population databases (rs754635255, gnomAD 0.02%). This variant has not been reported in the literature in individuals affected with TTR-related conditions. ClinVar contains an entry for this variant (Variation ID: 1014781). Invitae Evidence Modeling of protein sequence and biophysical properties (such as structural, functional, and spatial information, amino acid conservation, physicochemical variation, residue mobility, and thermodynamic stability) indicates that this missense variant is expected to disrupt TTR protein function with a positive predictive value of 80%. In summary, the available evidence is currently insufficient to determine the role of this variant in disease. Therefore, it has been classified as a Variant of Uncertain Significance.